The following is an entry in ClinVar:

NM_002139.4(RBMX):c.474G>T (p.Gly158=)

Gene: RBMX (RNA binding motif protein X-linked; minus strand). Cytogenetic location: Xq26.3.
Variant type: single nucleotide variant.
Coding change: c.474G>T on transcript NM_002139.4 (MANE Select); coding-DNA position 474, G replaced by T.
Protein change: p.Gly158=; no amino-acid change (glycine 158 retained).
Molecular consequence: synonymous variant. On other transcripts: non-coding transcript variant (2), intron variant (1).
Genome position (GRCh38, 1-based): chrX:136,876,570, C>A on the plus strand (G>T on the coding strand, the complement: RBMX is on the minus strand). VCF-style: chrX-136876570-C-A. GRCh37 (hg19) VCF-style: chrX-135958729-C-A.
Other names: c.217-985G>T (NM_001164803.2).
Identifiers: ClinVar variation 4821317 (VCV004821317.4).

ClinVar aggregate classification (germline): Likely benign (1 of 4 stars; one submission).

Submission:

CeGaT Center for Human Genetics Tuebingen
Classification: Likely benign. Last evaluated: 2026-03-01. Review status: criteria provided, single submitter. Criteria: CeGaT Center For Human Genetics Tuebingen Variant Classification Criteria Version 2. Collection method: clinical testing. Allele origin: germline. Affected: yes. Observed: 1 variant allele.
Comment: RBMX: PM2:Supporting, BP4, BP7